The following is an entry in ClinVar:

ClinVar aggregate classification (germline): Likely benign. Review status: criteria provided, multiple submitters, no conflicts (2 of 4 stars). 6 submissions from 6 submitters: Likely benign (6). Last evaluated 2026-01-17.

Conditions:
Familial thoracic aortic aneurysm and aortic dissection (TAAD). Also called: Thoracic aortic aneurysms and dissections. Identifiers: Orphanet 91387, MedGen C4707243, MONDO:0019625.
Aortic aneurysm, familial thoracic 4 (AAT4). Also called: AORTIC ANEURYSM/AORTIC DISSECTION AND PATENT DUCTUS ARTERIOSUS. Identifiers: MedGen C1851504, MONDO:0007568, OMIM 132900.

Allele frequency attached by ClinVar (database versions not stated): TOPMed 0.00001; 1000 Genomes Project 30x 0.00016.
gnomAD v4.1: 45 of 1,610,534 alleles (0.0028%); highest among the groups gnomAD compares: Admixed American, 0.023%; no homozygotes.

Submissions (6):

Labcorp Genetics (formerly Invitae), Labcorp
Classification: Likely benign for Aortic aneurysm, familial thoracic 4. Last evaluated: 2026-01-17. Review status: criteria provided, single submitter. Criteria: Invitae Variant Classification Sherloc (09022015). Collection method: clinical testing. Allele origin: germline.

Blueprint Genetics
Classification: Likely benign. Last evaluated: 2024-04-12. Review status: criteria provided, single submitter. Criteria: ACMG Guidelines, 2015. Collection method: clinical testing. Allele origin: germline.

All of Us Research Program, National Institutes of Health
Classification: Likely benign for Familial thoracic aortic aneurysm and aortic dissection. Last evaluated: 2024-01-11. Review status: criteria provided, single submitter. Criteria: ACMG Guidelines, 2015. Collection method: clinical testing. Allele origin: germline. Inheritance: Autosomal dominant inheritance. Observed: 12 variant alleles, 12 heterozygotes.
Comment: This study involves interpretation of variants in research participants for the purpose of population health screening. Participant phenotype was not available at the time of variant classification. Additional details can be found in publication PMID: 35346344, PMCID: PMC8962531

CHEO Genetics Diagnostic Laboratory, Children's Hospital of Eastern Ontario
Classification: Likely benign for Familial thoracic aortic aneurysm and aortic dissection. Last evaluated: 2019-12-09. Review status: criteria provided, single submitter. Criteria: ACMG Guidelines, 2015. Collection method: clinical testing. Allele origin: germline.

Color Diagnostics, LLC DBA Color Health
Classification: Likely benign for Familial thoracic aortic aneurysm and aortic dissection. Last evaluated: 2019-06-13. Review status: criteria provided, single submitter. Criteria: ACMG Guidelines, 2015. Collection method: clinical testing. Allele origin: germline.

GeneDx
Classification: Likely benign. Last evaluated: 2019-01-25. Review status: criteria provided, single submitter. Criteria: GeneDx Variant Classification Process June 2021. Collection method: clinical testing. Allele origin: germline. Affected: yes.

NM_002474.3(MYH11):c.2412-9C>G

Gene: MYH11 (myosin heavy chain 11; minus strand). Cytogenetic location: 16p13.11.
Variant type: single nucleotide variant.
Coding change: c.2412-9C>G on transcript NM_002474.3 (MANE Select); 9 bases into the intron before coding-DNA position 2412, C replaced by G.
Molecular consequence: intron variant.
Genome position (GRCh38, 1-based): chr16:15,745,246, G>C on the plus strand (C>G on the coding strand, the complement: MYH11 is on the minus strand). VCF-style: chr16-15745246-G-C. GRCh37 (hg19) VCF-style: chr16-15839103-G-C.
Other names: c.2412-9C>G (NM_022844.3); c.2433-9C>G (NM_001040114.2, NM_001040113.2).
Identifiers: ClinVar variation 387784 (VCV000387784.18), dbSNP rs148682361, ClinGen allele CA7922274.
Genomic context (GRCh38, chr16:15,745,246, plus strand): 5'-CCTCTGAATCACCTTCATGGCGGTCAGCTGCTGCTGCCTCTTGGCAAAAGCCCTAGGGAG[G>C]GGGGAAGAGAAGGTGCGGGGGTCATGAAGCCACACCCTGCTGTCAACAGAGCCCTGCCCT-3'